The following is an entry in ClinVar:

NM_032119.4(ADGRV1):c.13654-5C>T

Gene: ADGRV1 (adhesion G protein-coupled receptor V1; plus strand). Cytogenetic location: 5q14.3.
Variant type: single nucleotide variant.
Coding change: c.13654-5C>T on transcript NM_032119.4 (MANE Select); 5 bases into the intron before coding-DNA position 13654, C replaced by T.
Molecular consequence: intron variant.
Genome position (GRCh38, 1-based): chr5:90,788,066, C>T. VCF-style: chr5-90788066-C-T. GRCh37 (hg19) VCF-style: chr5-90083883-C-T.
Identifiers: ClinVar variation 284544 (VCV000284544.48), dbSNP rs367554300, ClinGen allele CA3341582.
Genomic context (GRCh38, chr5:90,788,066, plus strand): 5'-GAAATAGTTTTTTGCTTAAAATTGATCTCTATTAAAGAAATACCAAAACCAAAAACATCC[C>T]GCAGGTGAACTGGGAGACAGTAGGACCCAACTCTCAAGAAGCCTTACTGCCACAGAATAG-3'

ClinVar aggregate classification (germline): Benign/Likely benign. Review status: criteria provided, multiple submitters, no conflicts (2 of 4 stars). 6 submissions from 6 submitters: Benign (4); Likely benign (1). 1 of the submissions does not count toward it. Last evaluated 2026-02-02.

Conditions:
Usher syndrome. Also called: Usher's syndrome; Usher Syndromes. Identifiers: Orphanet 886, MedGen CN469326, MeSH D052245, MONDO:0019501. Disease mechanism: loss of function.
Usher syndrome type 2C. Also called: Usher syndrome, type 2B; USHER SYNDROME, TYPE IIC. Identifiers: Orphanet 231178, Orphanet 886, MedGen C2931213, MONDO:0011558, OMIM 605472.

Allele frequency attached by ClinVar (database versions not stated): gnomAD 0.00001 and 0.00058; TOPMed 0.00009; gnomAD exomes 0.00215; ExAC 0.00347; 1000 Genomes Project 30x 0.00390; 1000 Genomes Project 0.00399.
gnomAD v4.1: 1,564 of 1,584,394 alleles (0.099%); highest among the groups gnomAD compares: South Asian, 1.8%; 37 homozygotes.

Submissions (6):

Labcorp Genetics (formerly Invitae), Labcorp
Classification: Benign. Last evaluated: 2026-02-02. Review status: criteria provided, single submitter. Criteria: Invitae Variant Classification Sherloc (09022015). Collection method: clinical testing. Allele origin: germline.

GeneDx
Classification: Benign. Last evaluated: 2019-09-23. Review status: criteria provided, single submitter. Criteria: GeneDx Variant Classification Process June 2021. Collection method: clinical testing. Allele origin: germline. Affected: yes.

Illumina Laboratory Services, Illumina
Classification: Likely benign for Usher syndrome type 2C. Last evaluated: 2018-01-12. Review status: criteria provided, single submitter. Criteria: ICSL Variant Classification Criteria 13 December 2019. Collection method: clinical testing. Allele origin: germline.
Comment: This variant was observed in the ICSL laboratory as part of a predisposition screen in an ostensibly healthy population. It had not been previously curated by ICSL or reported in the Human Gene Mutation Database (HGMD: prior to June 1st, 2018), and was therefore a candidate for classification through an automated scoring system. Utilizing variant allele frequency, disease prevalence and penetrance estimates, and inheritance mode, an automated score was calculated to assess if this variant is too frequent to cause the disease. Based on the score and internal cut-off values, a variant classified as likely benign is not then subjected to further curation. The score for this variant resulted in a classification of likely benign for this disease.

Laboratory for Molecular Medicine, Mass General Brigham Personalized Medicine
Classification: Benign. Last evaluated: 2017-08-23. Review status: criteria provided, single submitter. Criteria: LMM Criteria. Collection method: clinical testing. Allele origin: germline. Observed: 2 variant alleles.
Comment: c.13654-5C>T in intron 67 of GPR98: This variant is not expected to have clinica l significance because it does not alter an amino acid residue, is not located w ithin the splice consensus sequence, and has been identified in 2.51% (296/11810 ) of South Asian chromosomes by the Exome Aggregation Consortium (ExAC; dbSNP rs367554300).

Eurofins Ntd Llc (ga)
Classification: Benign. Last evaluated: 2015-11-11. Review status: criteria provided, single submitter. Criteria: EGL Classification Definitions 2015. Collection method: clinical testing. Allele origin: germline. Observed: 1 variant allele, 1 heterozygote.

SN ONGC Dept of Genetics and Molecular biology Vision Research Foundation
Classification: Likely pathogenic for Usher syndrome. Last evaluated: 2022-12-31. Review status: flagged submission. Criteria: ACMG Guidelines, 2015. Collection method: research. Allele origin: biparental. Affected: yes. Observed: 1 variant allele, 1 homozygote. Not counted in ClinVar's aggregate classification.
ClinVar note: Reason: Outlier claim with insufficient supporting evidence